The following is an entry in ClinVar:

NM_000394.4(CRYAA):c.346C>A (p.Arg116Ser)

Gene: CRYAA (crystallin alpha A; plus strand). Cytogenetic location: 21q22.3.
Variant type: single nucleotide variant.
Coding change: c.346C>A on transcript NM_000394.4 (MANE Select); coding-DNA position 346, C replaced by A.
Protein change: p.Arg116Ser; replaces arginine 116 with serine.
Molecular consequence: missense variant.
Genome position (GRCh38, 1-based): chr21:43,172,104, C>A. VCF-style: chr21-43172104-C-A. GRCh37 (hg19) VCF-style: chr21-44592214-C-A.
Other names: c.235C>A, p.Arg79Ser (NM_001363766.1); short protein forms R116S, R79S.
Identifiers: ClinVar variation 521018 (VCV000521018.27), dbSNP rs74315439, ClinGen allele CA410605796.

ClinVar aggregate classification (germline): Pathogenic. Review status: criteria provided, multiple submitters, no conflicts (2 of 4 stars). 2 submissions from 2 submitters: Pathogenic (2). Last evaluated 2023-11-01.

Conditions:
Inborn genetic diseases. Identifiers: MedGen C0950123, MeSH D030342.

Submissions (2):

CeGaT Center for Human Genetics Tuebingen
Classification: Pathogenic. Last evaluated: 2023-11-01. Review status: criteria provided, single submitter. Criteria: CeGaT Center For Human Genetics Tuebingen Variant Classification Criteria Version 2. Collection method: clinical testing. Allele origin: germline. Affected: yes. Observed: 2 variant alleles.
Comment: CRYAA: PM1, PM2, PM5, PS4:Moderate, PP3, PP4

Ambry Genetics
Classification: Pathogenic for Inborn genetic diseases. Last evaluated: 2016-03-20. Review status: criteria provided, single submitter. Criteria: Ambry exome assertion method (8-5-2015). Collection method: clinical testing. Allele origin: germline. Affected: yes. Observed: 1 variant allele.